The following is an entry in ClinVar:

NM_001242896.3(DEPDC5):c.4031T>G (p.Leu1344Ter)

Gene: DEPDC5 (DEP domain containing 5, GATOR1 subcomplex subunit; plus strand). Cytogenetic location: 22q12.3.
Variant type: single nucleotide variant.
Coding change: c.4031T>G on transcript NM_001242896.3 (MANE Select); coding-DNA position 4031, T replaced by G.
Protein change: p.Leu1344Ter; replaces leucine 1344 with a stop codon.
Molecular consequence: nonsense. On other transcripts: non-coding transcript variant (5).
Genome position (GRCh38, 1-based): chr22:31,879,750, T>G. VCF-style: chr22-31879750-T-G. GRCh37 (hg19) VCF-style: chr22-32275736-T-G.
Other names: c.4004T>G, p.Leu1335Ter (NM_001136029.4); c.3731T>G, p.Leu1244Ter (NM_001242897.2); c.3965T>G, p.Leu1322Ter (NM_001363852.2, NM_001364320.2); c.3797T>G, p.Leu1266Ter (NM_001363854.2, NM_001364319.2); c.4031T>G, p.Leu1344Ter (NM_001364318.2); c.3947T>G, p.Leu1316Ter (NM_001369901.1, NM_001369902.1); c.3938T>G, p.Leu1313Ter (NM_001369903.1, NM_014662.6); short protein forms L1244*, L1266*, L1316*, L1313*, L1322*, L1344*, L1335*.
Identifiers: ClinVar variation 2074089 (VCV002074089.4), dbSNP rs2522697912, ClinGen allele CA411283681.
Genomic context (GRCh38, chr22:31,879,750, plus strand): 5'-CAAGTAGGCACAGCTCCTTTAGCCGAAGTTTTGGAGGACGGAGCCAGGCGGCAGCACTTT[T>G]AGGTACATGCTCAACCCAGACAAGGTCTGAGGGTGTGCCAGTGGGTGGCTGCGGGAAAGT-3'

ClinVar aggregate classification (germline): Pathogenic (1 of 4 stars; one submission).

Conditions:
Familial focal epilepsy with variable foci (FPEVF). Identifiers: Orphanet 98820, MedGen C1858477, MONDO:0020310.

Submission:

Labcorp Genetics (formerly Invitae), Labcorp
Classification: Pathogenic for Familial focal epilepsy with variable foci. Last evaluated: 2022-03-03. Review status: criteria provided, single submitter. Criteria: Invitae Variant Classification Sherloc (09022015). Collection method: clinical testing. Allele origin: germline.
Comment: For these reasons, this variant has been classified as Pathogenic. This premature translational stop signal has been observed in individual(s) with DEPDC5-related conditions (PMID: 30093711). This variant is not present in population databases (gnomAD no frequency). This sequence change creates a premature translational stop signal (p.Leu1344*) in the DEPDC5 gene. It is expected to result in an absent or disrupted protein product. Loss-of-function variants in DEPDC5 are known to be pathogenic (PMID: 23542697, 23542701).

Literature cited by the submitters: PubMed 30093711; PubMed 23542697; PubMed 23542701.